The following is an entry in ClinVar:

ClinVar aggregate classification (germline): Uncertain significance (1 of 4 stars; one submission).

Allele frequency attached by ClinVar (database versions not stated): TOPMed below 0.00001; ExAC 0.00001; gnomAD exomes 0.00003.
gnomAD v4.1: 48 of 1,613,676 alleles (0.003%); highest among the groups gnomAD compares: Middle Eastern, 0.017%; no homozygotes.

Submission:

Labcorp Genetics (formerly Invitae), Labcorp
Classification: Uncertain significance. Last evaluated: 2022-07-20. Review status: criteria provided, single submitter. Criteria: Invitae Variant Classification Sherloc (09022015). Collection method: clinical testing. Allele origin: germline.
Comment: This sequence change replaces proline, which is neutral and non-polar, with leucine, which is neutral and non-polar, at codon 408 of the HPS3 protein (p.Pro408Leu). This variant is present in population databases (rs767908300, gnomAD 0.006%). This variant has not been reported in the literature in individuals affected with HPS3-related conditions. Algorithms developed to predict the effect of missense changes on protein structure and function output the following: SIFT: "Tolerated"; PolyPhen-2: "Benign"; Align-GVGD: "Class C0". The leucine amino acid residue is found in multiple mammalian species, which suggests that this missense change does not adversely affect protein function. In summary, the available evidence is currently insufficient to determine the role of this variant in disease. Therefore, it has been classified as a Variant of Uncertain Significance.

NM_032383.5(HPS3):c.1223C>T (p.Pro408Leu)

Gene: HPS3 (HPS3 biogenesis of lysosomal organelles complex 2 subunit 1; plus strand). Cytogenetic location: 3q24.
Variant type: single nucleotide variant.
Coding change: c.1223C>T on transcript NM_032383.5 (MANE Select); coding-DNA position 1223, C replaced by T.
Protein change: p.Pro408Leu; replaces proline 408 with leucine.
Molecular consequence: missense variant.
Genome position (GRCh38, 1-based): chr3:149,150,658, C>T. VCF-style: chr3-149150658-C-T. GRCh37 (hg19) VCF-style: chr3-148868445-C-T.
Other names: c.728C>T, p.Pro243Leu (NM_001308258.2); short protein forms P408L, P243L.
Identifiers: ClinVar variation 2160283 (VCV002160283.1), dbSNP rs767908300, ClinGen allele CA2660035.